The following is an entry in ClinVar:

ClinVar aggregate classification (germline): Pathogenic (1 of 4 stars; one submission).

Conditions:
Mowat-Wilson syndrome (MOWS). Also called: Classic Mowat-Wilson Syndrome. Identifiers: Orphanet 2152, MedGen C1856113, MONDO:0009341, OMIM 235730.

Submission:

Labcorp Genetics (formerly Invitae), Labcorp
Classification: Pathogenic for Mowat-Wilson syndrome. Last evaluated: 2021-07-14. Review status: criteria provided, single submitter. Criteria: Invitae Variant Classification Sherloc (09022015). Collection method: clinical testing. Allele origin: germline.
Comment: For these reasons, this variant has been classified as Pathogenic. Algorithms developed to predict the effect of sequence changes on RNA splicing suggest that this variant may create or strengthen a splice site. This sequence change creates a premature translational stop signal (p.Ser162Alafs*20) in the ZEB2 gene. It is expected to result in an absent or disrupted protein product. Loss-of-function variants in ZEB2 are known to be pathogenic (PMID: 16053902). This variant is not present in population databases (ExAC no frequency). This variant has not been reported in the literature in individuals affected with ZEB2-related conditions.

Literature cited by the submitters: PubMed 16053902.

NM_014795.4(ZEB2):c.484_486delinsGCCTCGCTAACCTCGCCTTACCCCCCACTATTAACCTACTGGGAGAACTCTCTGTGCTAGTAACCACGTTCTCCTGATCAAATATCACTCTCCTACTTACAGGACTCAACATACTAGTCACAGCCCT (p.Ser162delinsAlaSerLeuThrSerProTyrProProLeuLeuThrTyrTrpGluAsnSerLeuCysTer)

Gene: ZEB2 (zinc finger E-box binding homeobox 2; minus strand). Cytogenetic location: 2q22.3.
Variant type: Indel.
Coding change: c.484_486delinsGCCTCGCTAACCTCGCCTTACCCCCCACTATTAACCTACTGGGAGAACTCTCTGTGCTAGTAACCACGTTCTCCTGATCAAATATCACTCTCCTACTTACAGGACTCAACATACTAGTCACAGCCCT on transcript NM_014795.4 (MANE Select); coding-DNA positions 484 to 486, the reference bases replaced by an inserted sequence.
Protein change: p.Ser162delinsAlaSerLeuThrSerProTyrProProLeuLeuThrTyrTrpGluAsnSerLeuCysTer.
Molecular consequence: nonsense.
Genome position (GRCh38, 1-based): chr2:144,404,942-144,404,944, 3 bases replaced. GRCh37 (hg19): chr2:145,162,509-145,162,511.
Other names: c.412_414delinsGCCTCGCTAACCTCGCCTTACCCCCCACTATTAACCTACTGGGAGAACTCTCTGTGCTAGTAACCACGTTCTCCTGATCAAATATCACTCTCCTACTTACAGGACTCAACATACTAGTCACAGCCCT, p.Ser138delinsAlaSerLeuThrSerProTyrProProLeuLeuThrTyrTrpGluAsnSerLeuCysTer (NM_001171653.2).
Identifiers: ClinVar variation 1454565 (VCV001454565.6), dbSNP rs2149879709, ClinGen allele CA2573133271.